The following is an entry in ClinVar:

NM_003673.4(TCAP):c.388C>A (p.Arg130Ser)

Gene: TCAP (titin-cap; plus strand). Cytogenetic location: 17q12.
Variant type: single nucleotide variant.
Coding change: c.388C>A on transcript NM_003673.4 (MANE Select); coding-DNA position 388, C replaced by A.
Protein change: p.Arg130Ser; replaces arginine 130 with serine.
Molecular consequence: missense variant.
Genome position (GRCh38, 1-based): chr17:39,665,993, C>A. VCF-style: chr17-39665993-C-A. GRCh37 (hg19) VCF-style: chr17-37822246-C-A.
Other names: short protein forms R130S.
Identifiers: ClinVar variation 179714 (VCV000179714.17), dbSNP rs374886575, ClinGen allele CA184980.
Genomic context (GRCh38, chr17:39,665,993, plus strand): 5'-CCCATCCAGCTTCAGGAGCTGCTGGCGCTGGAGACAGCCCTGGGTGGCCAGTGTGTGGAC[C>A]GCCAGGAGGTGGCTGAGATCACAAAGCAGCTGCCCCCTGTGGTGCCTGTCAGCAAGCCCG-3'
Protein context (NP_003664.1, residues 120-140): ETALGGQCVD[Arg130Ser]QEVAEITKQL

ClinVar aggregate classification (germline): Uncertain significance. Review status: criteria provided, multiple submitters, no conflicts (2 of 4 stars). 4 submissions from 4 submitters: Uncertain significance (4). Last evaluated 2025-07-13.

Conditions:
Primary familial hypertrophic cardiomyopathy (HCM). Identifiers: Orphanet 99739, MedGen C0949658, MeSH D024741, MONDO:0024573. Inheritance: Various modes of inheritance.
Hypertrophic cardiomyopathy 25 (CMH25). Also called: CARDIOMYOPATHY, FAMILIAL HYPERTROPHIC, 25. Identifiers: MedGen C4225408, MONDO:0011843, OMIM 607487.

Submissions (4):

Labcorp Genetics (formerly Invitae), Labcorp
Classification: Uncertain significance for Hypertrophic cardiomyopathy 25; Primary familial hypertrophic cardiomyopathy. Last evaluated: 2025-07-13. Review status: criteria provided, single submitter. Criteria: Invitae Variant Classification Sherloc (09022015). Collection method: clinical testing. Allele origin: germline.
Comment: This sequence change replaces arginine, which is basic and polar, with serine, which is neutral and polar, at codon 130 of the TCAP protein (p.Arg130Ser). This variant is present in population databases (rs374886575, gnomAD no frequency). This variant has not been reported in the literature in individuals affected with TCAP-related conditions. ClinVar contains an entry for this variant (Variation ID: 179714). An algorithm developed to predict the effect of missense changes on protein structure and function (PolyPhen-2) suggests that this variant is likely to be disruptive. In summary, the available evidence is currently insufficient to determine the role of this variant in disease. Therefore, it has been classified as a Variant of Uncertain Significance.

Blueprint Genetics
Classification: Uncertain significance. Last evaluated: 2024-07-19. Review status: criteria provided, single submitter. Criteria: ACMG Guidelines, 2015. Collection method: clinical testing. Allele origin: germline.

Revvity Omics, Revvity
Classification: Uncertain significance. Last evaluated: 2023-06-07. Review status: criteria provided, single submitter. Criteria: ACMG Guidelines, 2015. Collection method: clinical testing. Allele origin: germline.

Laboratory for Molecular Medicine, Mass General Brigham Personalized Medicine
Classification: Uncertain significance. Last evaluated: 2017-12-08. Review status: criteria provided, single submitter. Criteria: LMM Criteria. Collection method: clinical testing. Allele origin: germline. Observed: 1 variant allele.
Comment: The p.Arg130Ser variant in TCAP has not been previously reported in individuals with cardiomyopathy, but has been identified in 1/30934 chromosomes by the Genom e Aggregation Database (gnomAD; dbSNP rs374886 575). Computational prediction tools and conservation analysis suggest that the p.Arg130Ser variant may impact the protein, though this information is not predi ctive enough to determine pathogenicity. In summary, the clinical significance o f the p.Arg130Ser variant is uncertain. ACMG/AMP Criteria applied: PM2, PP3.